The following is an entry in ClinVar:

ClinVar aggregate classification (germline): Uncertain significance (1 of 4 stars; one submission).

Conditions:
Hereditary breast ovarian cancer syndrome. Also called: Hereditary breast and ovarian cancer; Hereditary breast and/or ovarian cancer syndrome; BRCA1- and BRCA2-Associated Hereditary Breast and Ovarian Cancer; Hereditary breast and ovarian cancer syndrome; Hereditary breast and ovarian cancer syndrome (HBOC); Breast and ovarian cancer. Identifiers: Orphanet 145, MedGen C0677776, MeSH D061325, MONDO:0003582. Disease mechanism: loss of function.

Submission:

Labcorp Genetics (formerly Invitae), Labcorp
Classification: Uncertain significance for Hereditary breast ovarian cancer syndrome. Last evaluated: 2025-10-29. Review status: criteria provided, single submitter. Criteria: Invitae Variant Classification Sherloc (09022015). Collection method: clinical testing. Allele origin: germline.
Comment: This sequence change replaces proline, which is neutral and non-polar, with arginine, which is basic and polar, at codon 9 of the BRCA2 protein (p.Pro9Arg). This variant is not present in population databases (gnomAD no frequency). This variant has not been reported in the literature in individuals affected with BRCA2-related conditions. ClinVar contains an entry for this variant (Variation ID: 409524). Invitae Evidence Modeling of protein sequence and biophysical properties (such as structural, functional, and spatial information, amino acid conservation, physicochemical variation, residue mobility, and thermodynamic stability) indicates that this missense variant is not expected to disrupt BRCA2 protein function with a negative predictive value of 95%. In summary, the available evidence is currently insufficient to determine the role of this variant in disease. Therefore, it has been classified as a Variant of Uncertain Significance.

NM_000059.4(BRCA2):c.26C>G (p.Pro9Arg)

Gene: BRCA2 (BRCA2 DNA repair associated; plus strand). Cytogenetic location: 13q13.1.
Variant type: single nucleotide variant.
Coding change: c.26C>G on transcript NM_000059.4 (MANE Select); coding-DNA position 26, C replaced by G.
Protein change: p.Pro9Arg; replaces proline 9 with arginine.
Molecular consequence: missense variant.
Genome position (GRCh38, 1-based): chr13:32,316,486, C>G. VCF-style: chr13-32316486-C-G. GRCh37 (hg19) VCF-style: chr13-32890623-C-G.
Other names: short protein forms P9R.
Identifiers: ClinVar variation 409524 (VCV000409524.9), dbSNP rs80358527, ClinGen allele CA16613796.
Genomic context (GRCh38, chr13:32,316,486, plus strand): 5'-ATTTACCAAGCATTGGAGGAATATCGTAGGTAAAAATGCCTATTGGATCCAAAGAGAGGC[C>G]AACATTTTTTGAAATTTTTAAGACACGCTGCAACAAAGCAGGTATTGACAAATTTTATAT-3'
Protein context (NP_000050.3, residues 1-19): MPIGSKER[Pro9Arg]TFFEIFKTRC